The following is an entry in ClinVar:

ClinVar aggregate classification (germline): Uncertain significance. Review status: criteria provided, multiple submitters, no conflicts (2 of 4 stars). 2 submissions from 2 submitters: Uncertain significance (2). Last evaluated 2024-09-16.

Conditions:
Inborn genetic diseases. Identifiers: MedGen C0950123, MeSH D030342.

Allele frequency attached by ClinVar (database versions not stated): gnomAD exomes below 0.00001; ExAC 0.00001; gnomAD 0.00003; TOPMed 0.00006.
gnomAD v4.1: 10 of 1,613,964 alleles (0.00062%); highest among the groups gnomAD compares: African/African-American, 0.0093%; no homozygotes.

Submissions (2):

Labcorp Genetics (formerly Invitae), Labcorp
Classification: Uncertain significance. Last evaluated: 2024-09-16. Review status: criteria provided, single submitter. Criteria: Invitae Variant Classification Sherloc (09022015). Collection method: clinical testing. Allele origin: germline.
Comment: This sequence change replaces glycine, which is neutral and non-polar, with arginine, which is basic and polar, at codon 1467 of the NLRP1 protein (p.Gly1467Arg). This variant is present in population databases (rs756213182, gnomAD 0.008%). This variant has not been reported in the literature in individuals affected with NLRP1-related conditions. An algorithm developed to predict the effect of missense changes on protein structure and function (PolyPhen-2) suggests that this variant is likely to be tolerated. In summary, the available evidence is currently insufficient to determine the role of this variant in disease. Therefore, it has been classified as a Variant of Uncertain Significance.

Ambry Genetics
Classification: Uncertain significance for Inborn genetic diseases. Last evaluated: 2024-02-13. Review status: criteria provided, single submitter. Criteria: Ambry Variant Classification Scheme 2023. Collection method: clinical testing. Allele origin: germline.

NM_033004.4(NLRP1):c.4399G>A (p.Gly1467Arg)

Gene: NLRP1 (NLR family pyrin domain containing 1; minus strand). Cytogenetic location: 17p13.2.
Variant type: single nucleotide variant.
Coding change: c.4399G>A on transcript NM_033004.4 (MANE Select); coding-DNA position 4399, G replaced by A.
Protein change: p.Gly1467Arg; replaces glycine 1467 with arginine.
Molecular consequence: missense variant. On other transcripts: intron variant (1).
Genome position (GRCh38, 1-based): chr17:5,514,777, C>T on the plus strand (G>A on the coding strand, the complement: NLRP1 is on the minus strand). VCF-style: chr17-5514777-C-T. GRCh37 (hg19) VCF-style: chr17-5418097-C-T.
Other names: c.4177G>A, p.Gly1393Arg (NM_033007.4); c.4069+2969G>A (NM_001033053.3); c.4267G>A, p.Gly1423Arg (NM_014922.5); c.4309G>A, p.Gly1437Arg (NM_033006.4); short protein forms G1393R, G1437R, G1467R, G1423R.
Identifiers: ClinVar variation 3200521 (VCV003200521.3), dbSNP rs756213182, ClinGen allele CA8326573.